The following is an entry in ClinVar:

ClinVar aggregate classification (germline): Likely pathogenic (1 of 4 stars; one submission).

Conditions:
Cystic fibrosis (CF). Also called: MUCOVISCIDOSIS. Identifiers: Orphanet 586, MedGen C0010674, MONDO:0009061, OMIM 219700. Disease mechanism: loss of function.

Submission:

Women's Health and Genetics/Laboratory Corporation of America, LabCorp
Classification: Likely pathogenic for Cystic fibrosis. Last evaluated: 2023-05-30. Review status: criteria provided, single submitter. Criteria: LabCorp Variant Classification Summary - May 2015. Collection method: clinical testing. Allele origin: germline.
Comment: Variant summary: The variant, c.489+43_580-354del3738, involves the deletion of exon 5 in the CFTR gene, and is predicted to result in a large in-frame deletion change in the CFTR gene, affecting the first transmembrane domain (amino acids 82-350; IPR011527) of the encoded protein. The variant was absent in 21694 control chromosomes (gnomAD database, Structural Variants dataset). To our knowledge, no occurrence of c.(489+1_490-1)_(579+1_580-1)del in individuals affected with Cystic Fibrosis and no experimental evidence demonstrating its impact on protein function have been reported. However, several missense- and splice variants in/around exon 5 have been reported in affected individuals (HGMD), and been classified as pathogenic by our lab, indicating the functional importance of this protein region. No clinical diagnostic laboratories have submitted clinical-significance assessments for this variant to ClinVar after 2014. Based on the evidence outlined above, the variant was classified as likely pathogenic.

NM_000492.4(CFTR):c.489+43_580-354del

Gene: CFTR (CF transmembrane conductance regulator; plus strand). Cytogenetic location: 7q31.2.
Variant type: Deletion.
Coding change: c.489+43_580-354del on transcript NM_000492.4 (MANE Select); 43 bases into the intron after coding-DNA position 489 through 354 bases into the intron before coding-DNA position 580, 3,738 bases deleted.
Molecular consequence: splice acceptor variant, splice donor variant.
Genome position (GRCh38, 1-based): chr7:117,531,157-117,534,894, 3,738 bases deleted. GRCh37 (hg19): chr7:117,171,211-117,174,948.
Identifiers: ClinVar variation 2506206 (VCV002506206.1), ClinGen allele CA2580617096.